The following is an entry in ClinVar:

NM_004035.7(ACOX1):c.692G>T (p.Gly231Val)

Gene: ACOX1 (acyl-CoA oxidase 1; minus strand). Cytogenetic location: 17q25.1.
Variant type: single nucleotide variant.
Coding change: c.692G>T on transcript NM_004035.7 (MANE Select); coding-DNA position 692, G replaced by T.
Protein change: p.Gly231Val; replaces glycine 231 with valine.
Molecular consequence: missense variant.
Genome position (GRCh38, 1-based): chr17:75,955,648, C>A on the plus strand (G>T on the coding strand, the complement: ACOX1 is on the minus strand). VCF-style: chr17-75955648-C-A. GRCh37 (hg19) VCF-style: chr17-73951729-C-A.
Other names: c.578G>T, p.Gly193Val (NM_001185039.2); c.692G>T, p.Gly231Val (NM_007292.6); short protein forms G193V, G231V.
Identifiers: ClinVar variation 3583061 (VCV003583061.3).

ClinVar aggregate classification (germline): Conflicting classifications of pathogenicity. Review status: criteria provided, conflicting classifications (1 of 4 stars). 2 submissions from 2 submitters: Likely pathogenic (1); Uncertain significance (1). Last evaluated 2024-05-15.

Conditions:
Acyl-CoA oxidase deficiency. Also called: STRAIGHT-CHAIN ACYL-CoA OXIDASE DEFICIENCY; Peroxisomal acyl-CoA oxidase deficiency; Pseudoneonatal adrenoleukodystrophy. Identifiers: Orphanet 2971, MedGen C1849678, MONDO:0009919, OMIM 264470. Disease mechanism: loss of function.
Mitchell syndrome. Identifiers: Orphanet 631248, MedGen C5394554, MONDO:0030073, OMIM 618960.

Submissions (2):

Labcorp Genetics (formerly Invitae), Labcorp
Classification: Uncertain significance for Acyl-CoA oxidase deficiency. Last evaluated: 2024-05-15. Review status: criteria provided, single submitter. Criteria: Invitae Variant Classification Sherloc (09022015). Collection method: clinical testing. Allele origin: germline.
Comment: This sequence change replaces glycine, which is neutral and non-polar, with valine, which is neutral and non-polar, at codon 231 of the ACOX1 protein (p.Gly231Val). This variant is not present in population databases (gnomAD no frequency). This missense change has been observed in individual(s) with autosomal recessive peroxisomal acyl-CoA oxidase deficiency (PMID: 17458872). Advanced modeling of protein sequence and biophysical properties (such as structural, functional, and spatial information, amino acid conservation, physicochemical variation, residue mobility, and thermodynamic stability) performed at Invitae indicates that this missense variant is not expected to disrupt ACOX1 protein function with a negative predictive value of 80%. In summary, the available evidence is currently insufficient to determine the role of this variant in disease. Therefore, it has been classified as a Variant of Uncertain Significance.

Fulgent Genetics
Classification: Likely pathogenic for Acyl-CoA oxidase deficiency; Mitchell syndrome. Last evaluated: 2024-01-29. Review status: criteria provided, single submitter. Criteria: ACMG Guidelines, 2015. Collection method: clinical testing. Allele origin: germline.

Literature cited by the submitters: PubMed 17458872 (cited by Labcorp Genetics (formerly Invitae), Labcorp).